The following is an entry in ClinVar:

ClinVar aggregate classification (germline): Uncertain significance (1 of 4 stars; one submission).

Conditions:
Nephronophthisis. Also called: Juvenile Nephronophthisis. Identifiers: Orphanet 655, MedGen C0687120, MONDO:0019005, HP:0000090.

Allele frequency attached by ClinVar (database versions not stated): gnomAD exomes below 0.00001.

Submission:

Labcorp Genetics (formerly Invitae), Labcorp
Classification: Uncertain significance for Nephronophthisis. Last evaluated: 2020-10-03. Review status: criteria provided, single submitter. Criteria: Invitae Variant Classification Sherloc (09022015). Collection method: clinical testing. Allele origin: germline.
Comment: Algorithms developed to predict the effect of missense changes on protein structure and function are either unavailable or do not agree on the potential impact of this missense change (SIFT: "Deleterious"; PolyPhen-2: "Probably Damaging"; Align-GVGD: "Class C0"). This sequence change replaces leucine with tryptophan at codon 582 of the NPHP1 protein (p.Leu582Trp). The leucine residue is moderately conserved and there is a small physicochemical difference between leucine and tryptophan. This variant is not present in population databases (ExAC no frequency). This variant has not been reported in the literature in individuals with NPHP1-related conditions. In summary, the available evidence is currently insufficient to determine the role of this variant in disease. Therefore, it has been classified as a Variant of Uncertain Significance.

NM_001128178.3(NPHP1):c.1577T>G (p.Leu526Trp)

Gene: NPHP1 (nephrocystin 1; minus strand). Cytogenetic location: 2q13.
Variant type: single nucleotide variant.
Coding change: c.1577T>G on transcript NM_001128178.3 (MANE Select); coding-DNA position 1577, T replaced by G.
Protein change: p.Leu526Trp; replaces leucine 526 with tryptophan.
Molecular consequence: missense variant.
Genome position (GRCh38, 1-based): chr2:110,131,744, A>C on the plus strand (T>G on the coding strand, the complement: NPHP1 is on the minus strand). VCF-style: chr2-110131744-A-C. GRCh37 (hg19) VCF-style: chr2-110889321-A-C.
Other names: c.1745T>G, p.Leu582Trp (NM_000272.5); c.1388T>G, p.Leu463Trp (NM_001128179.3); c.1574T>G, p.Leu525Trp (NM_001374256.1); c.1577T>G, p.Leu526Trp (NM_001374257.1); c.1742T>G, p.Leu581Trp (NM_207181.4); short protein forms L463W, L525W, L526W, L581W, L582W.
Identifiers: ClinVar variation 1006788 (VCV001006788.7), dbSNP rs1314119987, ClinGen allele CA348087078.